The following is an entry in ClinVar:

NM_012463.4(ATP6V0A2):c.2465+58T>C

Gene: ATP6V0A2 (ATPase H+ transporting V0 subunit a2; plus strand). Cytogenetic location: 12q24.31.
Variant type: single nucleotide variant.
Coding change: c.2465+58T>C on transcript NM_012463.4 (MANE Select); 58 bases into the intron after coding-DNA position 2465, T replaced by C.
Molecular consequence: intron variant.
Genome position (GRCh38, 1-based): chr12:123,757,044, T>C. VCF-style: chr12-123757044-T-C. GRCh37 (hg19) VCF-style: chr12-124241591-T-C.
Identifiers: ClinVar variation 676295 (VCV000676295.2), dbSNP rs56862679, ClinGen allele CA13715630.

ClinVar aggregate classification (germline): Benign. Review status: criteria provided, multiple submitters, no conflicts (2 of 4 stars). 2 submissions from 2 submitters: Benign (2). Last evaluated 2018-06-16.

Allele frequency attached by ClinVar (database versions not stated): gnomAD 0.12443 and 0.12829; 1000 Genomes Project 0.13299; TOPMed 0.13310; 1000 Genomes Project 30x 0.13929.
gnomAD v4.1: 65,620 of 1,548,678 alleles (4.2%); highest among the groups gnomAD compares: African/African-American, 35%; 5,440 homozygotes.

Submissions (2):

GeneDx
Classification: Benign. Last evaluated: 2018-06-16. Review status: criteria provided, single submitter. Criteria: GeneDx Variant Classification (06012015). Collection method: clinical testing. Allele origin: germline. Affected: yes.
Comment: This variant is considered likely benign or benign based on one or more of the following criteria: it is a conservative change, it occurs at a poorly conserved position in the protein, it is predicted to be benign by multiple in silico algorithms, and/or has population frequency not consistent with disease.

Breakthrough Genomics
Classification: Benign. Review status: criteria provided, single submitter. Criteria: ACMG Guidelines, 2015. Collection method: not provided. Allele origin: germline. Inheritance: Autosomal recessive inheritance. Affected: yes.